The following is an entry in ClinVar:

ClinVar aggregate classification (germline): Uncertain significance. Review status: criteria provided, multiple submitters, no conflicts (2 of 4 stars). 2 submissions from 2 submitters: Uncertain significance (2). Last evaluated 2025-08-04.

Conditions:
Familial thoracic aortic aneurysm and aortic dissection (TAAD). Also called: Thoracic aortic aneurysms and dissections. Identifiers: Orphanet 91387, MedGen C4707243, MONDO:0019625.
Ehlers-Danlos syndrome, kyphoscoliotic type 1 (EDSKSCL1). Also called: PLOD1-Related Kyphoscoliotic Ehlers-Danlos Syndrome; EHLERS-DANLOS SYNDROME, TYPE VIA; Ehlers-Danlos syndrome, hydroxylysine-deficient; EHLERS-DANLOS SYNDROME, OCULAR-SCOLIOTIC TYPE. Identifiers: Orphanet 1900, MedGen C0268342, MONDO:0016002, OMIM 225400. Disease mechanism: loss of function.

Allele frequency attached by ClinVar (database versions not stated): gnomAD exomes below 0.00001; ExAC 0.00002; TOPMed 0.00002; gnomAD 0.00003; ESP Exome Variant Server 0.00008.
gnomAD v4.1: 11 of 1,613,970 alleles (0.00068%); highest among the groups gnomAD compares: African/African-American, 0.0053%; no homozygotes.

Submissions (2):

Ambry Genetics
Classification: Uncertain significance for Familial thoracic aortic aneurysm and aortic dissection. Last evaluated: 2025-08-04. Review status: criteria provided, single submitter. Criteria: Ambry Variant Classification Scheme 2023. Collection method: clinical testing. Allele origin: germline.
Comment: The p.R111Q variant (also known as c.332G>A), located in coding exon 4 of the PLOD1 gene, results from a G to A substitution at nucleotide position 332. The arginine at codon 111 is replaced by glutamine, an amino acid with highly similar properties. This amino acid position is not well conserved in available vertebrate species. In addition, this alteration is predicted to be tolerated by in silico analysis. Based on the available evidence, the clinical significance of this variant remains unclear.

Labcorp Genetics (formerly Invitae), Labcorp
Classification: Uncertain significance for Ehlers-Danlos syndrome, kyphoscoliotic type 1. Last evaluated: 2022-04-17. Review status: criteria provided, single submitter. Criteria: Invitae Variant Classification Sherloc (09022015). Collection method: clinical testing. Allele origin: germline.
Comment: This sequence change replaces arginine, which is basic and polar, with glutamine, which is neutral and polar, at codon 111 of the PLOD1 protein (p.Arg111Gln). This variant is present in population databases (rs141767454, gnomAD 0.01%). This variant has not been reported in the literature in individuals affected with PLOD1-related conditions. Algorithms developed to predict the effect of missense changes on protein structure and function (SIFT, PolyPhen-2, Align-GVGD) all suggest that this variant is likely to be tolerated. Algorithms developed to predict the effect of sequence changes on RNA splicing suggest that this variant may create or strengthen a splice site. In summary, the available evidence is currently insufficient to determine the role of this variant in disease. Therefore, it has been classified as a Variant of Uncertain Significance.

NM_000302.4(PLOD1):c.332G>A (p.Arg111Gln)

Gene: PLOD1 (procollagen-lysine,2-oxoglutarate 5-dioxygenase 1; plus strand). Cytogenetic location: 1p36.22.
Variant type: single nucleotide variant.
Coding change: c.332G>A on transcript NM_000302.4 (MANE Select); coding-DNA position 332, G replaced by A.
Protein change: p.Arg111Gln; replaces arginine 111 with glutamine.
Molecular consequence: missense variant.
Genome position (GRCh38, 1-based): chr1:11,950,386, G>A. VCF-style: chr1-11950386-G-A. GRCh37 (hg19) VCF-style: chr1-12010443-G-A.
Other names: c.332G>A (NM_000302.3); c.473G>A, p.Arg158Gln (NM_001316320.2); short protein forms R111Q, R158Q.
Identifiers: ClinVar variation 2198455 (VCV002198455.2), dbSNP rs141767454, ClinGen allele CA597878.